The following is an entry in ClinVar:

ClinVar aggregate classification (germline): Uncertain significance (1 of 4 stars; one submission).

gnomAD v4.1: 2 of 1,613,934 alleles (0.00012%); highest among the groups gnomAD compares: African/African-American, 0.0027%; no homozygotes.

Submission:

Labcorp Genetics (formerly Invitae), Labcorp
Classification: Uncertain significance. Last evaluated: 2024-11-13. Review status: criteria provided, single submitter. Criteria: Invitae Variant Classification Sherloc (09022015). Collection method: clinical testing. Allele origin: germline.
Comment: This sequence change replaces tyrosine, which is neutral and polar, with aspartic acid, which is acidic and polar, at codon 414 of the GABRB1 protein (p.Tyr414Asp). This variant is present in population databases (rs753215518, gnomAD 0.007%). This variant has not been reported in the literature in individuals affected with GABRB1-related conditions. Invitae Evidence Modeling of protein sequence and biophysical properties (such as structural, functional, and spatial information, amino acid conservation, physicochemical variation, residue mobility, and thermodynamic stability) indicates that this missense variant is not expected to disrupt GABRB1 protein function with a negative predictive value of 95%. In summary, the available evidence is currently insufficient to determine the role of this variant in disease. Therefore, it has been classified as a Variant of Uncertain Significance.

NM_000812.4(GABRB1):c.1240T>G (p.Tyr414Asp)

Gene: GABRB1 (gamma-aminobutyric acid type A receptor subunit beta1; plus strand). Cytogenetic location: 4p12.
Variant type: single nucleotide variant.
Coding change: c.1240T>G on transcript NM_000812.4 (MANE Select); coding-DNA position 1240, T replaced by G.
Protein change: p.Tyr414Asp; replaces tyrosine 414 with aspartic acid.
Molecular consequence: missense variant.
Genome position (GRCh38, 1-based): chr4:47,425,833, T>G. VCF-style: chr4-47425833-T-G. GRCh37 (hg19) VCF-style: chr4-47427850-T-G.
Other names: short protein forms Y414D.
Identifiers: ClinVar variation 3637021 (VCV003637021.2).
Genomic context (GRCh38, chr4:47,425,833, plus strand): 5'-ATGTACTCCTATGACAGCGCCAGCATCCAGTACCGCAAGCCCCTGAGCAGCCGCGAGGCC[T>G]ACGGGCGCGCCCTGGACCGGCACGGGGTACCCAGCAAGGGGCGCATCCGCAGGCGTGCCT-3'
Protein context (NP_000803.2, residues 404-424): YRKPLSSREA[Tyr414Asp]GRALDRHGVP